The following is an entry in ClinVar:

NM_002016.2(FLG):c.4341del (p.His1448fs)

Genes: CCDST (cervical cancer associated DHX9 suppressive transcript; plus strand), FLG (filaggrin; minus strand). Cytogenetic location: 1q21.3.
Variant type: Deletion.
Coding change: c.4341del on transcript NM_002016.2 (MANE Select); coding-DNA position 4341, one base deleted (T; older notation c.4341delT).
Protein change: p.His1448fs; shifts the reading frame from histidine 1448.
Molecular consequence: frameshift variant.
Genome position (GRCh38, 1-based): chr1:152,310,545, A deleted on the plus strand (T on the coding strand, the reverse complement: FLG is on the minus strand). VCF-style (leftmost placement, unchanged base first): chr1-152310544-GA-G. GRCh37 (hg19) VCF-style: chr1-152283020-GA-G.
Other names: c.4341delT, p.His1448Metfs (NM_002016.1); short protein forms H1448fs.
Identifiers: ClinVar variation 4530794 (VCV004530794.2).

ClinVar aggregate classification (germline): Pathogenic (1 of 4 stars; one submission).

Submission:

GeneDx
Classification: Pathogenic. Last evaluated: 2025-11-24. Review status: criteria provided, single submitter. Criteria: GeneDx Variant Classification Process June 2021. Collection method: clinical testing. Allele origin: germline.
Comment: Frameshift variant predicted to result in abnormal protein length as the last 2614 amino acid(s) are replaced with 61 different amino acid(s), and other similar variants have been reported in HGMD; Not observed at significant frequency in large population cohorts (gnomAD); Has not been previously published as pathogenic or benign to our knowledge; This variant is associated with the following publications: (PMID: 16444271)